The following is an entry in ClinVar:

ClinVar aggregate classification (germline): Uncertain significance (1 of 4 stars; one submission).

Submission:

GeneDx
Classification: Uncertain significance. Last evaluated: 2026-01-21. Review status: criteria provided, single submitter. Criteria: GeneDx Variant Classification Process June 2021. Collection method: clinical testing. Allele origin: germline.
Comment: Not observed at significant frequency in large population cohorts (gnomAD); In silico analysis supports that this missense variant does not alter protein structure/function; Has not been previously published as pathogenic or benign to our knowledge

NM_003601.4(SMARCA5):c.3059A>G (p.Lys1020Arg)

Gene: SMARCA5 (SNF2 related chromatin remodeling ATPase 5; plus strand). Cytogenetic location: 4q31.21.
Variant type: single nucleotide variant.
Coding change: c.3059A>G on transcript NM_003601.4 (MANE Select); coding-DNA position 3059, A replaced by G.
Protein change: p.Lys1020Arg; replaces lysine 1020 with arginine.
Molecular consequence: missense variant.
Genome position (GRCh38, 1-based): chr4:143,550,070, A>G. VCF-style: chr4-143550070-A-G. GRCh37 (hg19) VCF-style: chr4-144471223-A-G.
Other names: short protein forms K1020R.
Identifiers: ClinVar variation 3367559 (VCV003367559.2).